The following is an entry in ClinVar:

ClinVar aggregate classification (germline): Conflicting classifications of pathogenicity. Review status: criteria provided, conflicting classifications (1 of 4 stars). 2 submissions from 2 submitters: Likely pathogenic (1); Uncertain significance (1). Last evaluated 2025-12-30.

Conditions:
Autosomal recessive nonsyndromic hearing loss 12. Also called: DEAFNESS, AUTOSOMAL RECESSIVE 12. Identifiers: Orphanet 90636, MedGen C1832394, MONDO:0011067, OMIM 601386.
CDH23-related disorder. Also called: CDH23-related disorders; CDH23-related condition.

Allele frequency attached by ClinVar (database versions not stated): ExAC 0.00001; TOPMed 0.00001.
gnomAD v4.1: 62 of 1,614,016 alleles (0.0038%); highest among the groups gnomAD compares: Non-Finnish European, 0.0052%; no homozygotes.

Submissions (2):

PreventionGenetics, part of Exact Sciences
Classification: Uncertain significance for CDH23-related condition. Last evaluated: 2025-12-30. Review status: criteria provided, single submitter. Criteria: ACMG Guidelines, 2015. Collection method: clinical testing. Allele origin: germline.
Comment: The CDH23 c.6379G>T variant is predicted to result in the amino acid substitution p.Val2127Phe. To our knowledge, this variant has not been reported in the literature or in a large population database (gnomAD), indicating this variant is rare. At this time, the clinical significance of this variant is uncertain due to the absence of conclusive functional and genetic evidence.

Victorian Clinical Genetics Services, Murdoch Childrens Research Institute
Classification: Likely pathogenic for Autosomal recessive nonsyndromic hearing loss 12. Last evaluated: 2022-09-02. Review status: criteria provided, single submitter. Criteria: ACMG Guidelines, 2015. Collection method: clinical testing. Allele origin: germline. Inheritance: Autosomal recessive inheritance. Affected: yes.
Comment: Based on the classification scheme VCGS_Germline_v1.3.4, this variant is classified as Likely pathogenic. Following criteria are met: 0102 - Loss of function is a known mechanism of disease in this gene and is associated with deafness 12 (MIM#601386) and Usher syndrome, type 1D/F (MIM#601067). (I) 0106 - This gene is associated with autosomal recessive disease. (I) 0200 - Variant is predicted to result in a missense amino acid change from valine to phenylalanine. (I) 0251 - This variant is heterozygous. (I) 0301 - Variant is absent from gnomAD (both v2 and v3). (SP) 0501 - Missense variant consistently predicted to be damaging by multiple in silico tools and highly conserved with a minor amino acid change. (SP) 0600 - Variant is located in the annotated Cadherin domain (DECIPHER). (I) 0705 - No comparable missense variants have previous evidence for pathogenicity. (I) 0807 - This variant has no previous evidence of pathogenicity. (I) 0905 - No published segregation evidence has been identified for this variant. (I) 1007 - No published functional evidence has been identified for this variant. (I) 1102 - Strong phenotype match for this individual. (SP) 1201 - Heterozygous variant detected in trans with a second pathogenic heterozygous variant (c.5237G>A; p.(Arg1746Gln)) in a recessive disease. (I) Legend: (SP) - Supporting pathogenic, (I) - Information, (SB) - Supporting benign

NM_022124.6(CDH23):c.6379G>T (p.Val2127Phe)

Gene: CDH23 (cadherin related 23; plus strand). Cytogenetic location: 10q22.1.
Variant type: single nucleotide variant.
Coding change: c.6379G>T on transcript NM_022124.6 (MANE Select); coding-DNA position 6379, G replaced by T.
Protein change: p.Val2127Phe; replaces valine 2127 with phenylalanine.
Molecular consequence: missense variant.
Genome position (GRCh38, 1-based): chr10:71,793,307, G>T. VCF-style: chr10-71793307-G-T. GRCh37 (hg19) VCF-style: chr10-73553064-G-T.
Other names: short protein forms V2127F.
Identifiers: ClinVar variation 1699473 (VCV001699473.4), dbSNP rs765026901, ClinGen allele CA5546066.